The following is an entry in ClinVar:

NM_003384.3(VRK1):c.1132_1133insT (p.Thr378fs)

Gene: VRK1 (VRK serine/threonine kinase 1; plus strand). Cytogenetic location: 14q32.2.
Variant type: Insertion.
Coding change: c.1132_1133insT on transcript NM_003384.3 (MANE Select); coding-DNA positions 1132 to 1133, T inserted.
Protein change: p.Thr378fs; shifts the reading frame from threonine 378.
Molecular consequence: frameshift variant.
Genome position: GRCh38 VCF-style: chr14-96876093-A-AT. GRCh37 (hg19) VCF-style: chr14-97342430-A-AT.
Other names: short protein forms T378fs.
Identifiers: ClinVar variation 971948 (VCV000971948.11), dbSNP rs892468166, ClinGen allele CA266092652.
Genomic context (GRCh38, chr14:96,876,093, plus strand): 5'-CGAAAGAAAGAAATTGAAGAAAGCAAGGAACCTGGTGTTGAAGATACGGAATGGTCAAAC[A>AT]CACAGACAGAGGAGGCCATACAGACCCGTAAGTTGAACAGTTTTGCCTAGCTGCTTTCAT-3'

ClinVar aggregate classification (germline): Pathogenic/Likely pathogenic. Review status: criteria provided, multiple submitters, no conflicts (2 of 4 stars). 3 submissions from 3 submitters: Pathogenic (1); Likely pathogenic (2). Last evaluated 2025-12-17.

Conditions:
Pontocerebellar hypoplasia type 1A (PCH1A). Also called: PONTOCEREBELLAR HYPOPLASIA WITH ANTERIOR HORN CELL DISEASE; PONTOCEREBELLAR HYPOPLASIA WITH INFANTILE SPINAL MUSCULAR ATROPHY. Identifiers: Orphanet 2254, Orphanet 88616, MedGen C1843504, MONDO:0011866, OMIM 607596.

Allele frequency attached by ClinVar (database versions not stated): gnomAD exomes below 0.00001; gnomAD 0.00001; TOPMed 0.00001.

Submissions (3):

Labcorp Genetics (formerly Invitae), Labcorp
Classification: Pathogenic for Pontocerebellar hypoplasia type 1A. Last evaluated: 2025-12-17. Review status: criteria provided, single submitter. Criteria: Invitae Variant Classification Sherloc (09022015). Collection method: clinical testing. Allele origin: germline.
Comment: This sequence change is expected to alter the c-terminus of the VRK1 protein (p.Thr378Ilefs*25). While this is not anticipated to result in nonsense mediated decay, it is expected to disrupt the last 19 amino acid(s) of the VRK1 protein and extend the protein by 5 additional amino acid residues. This variant is not present in population databases (gnomAD no frequency). This frameshift has been observed in individual(s) with clinical features of hereditary motor neuropathy (internal data). In at least one individual the data is consistent with being in trans (on the opposite chromosome) from a pathogenic variant. ClinVar contains an entry for this variant (Variation ID: 971948). Experimental studies and prediction algorithms are not available or were not evaluated, and the functional significance of this variant is currently unknown. This variant disrupts a region of the VRK1 protein in which other variant(s) (p.Arg387His) have been determined to be pathogenic (PMID: 31837156; internal data). This suggests that this is a clinically significant region of the protein, and that variants that disrupt it are likely to be disease-causing. For these reasons, this variant has been classified as Pathogenic.

Natera, Inc.
Classification: Likely pathogenic for Pontocerebellar hypoplasia, type 1a. Last evaluated: 2025-09-04. Review status: criteria provided, single submitter. Criteria: Natera Variant Classification Schema (03/2026). Collection method: clinical testing. Allele origin: germline.
Comment: The c.1132_1133insT variant in VRK1 is a frameshift variant predicted to elongate the protein beyond the termination codon. This variant is expected to result in nonsense mediated decay, truncation, or a dysfunctional protein product. This variant is rare in the general population with a frequency below the threshold expected for the associated phenotype(s). Given the available evidence, this variant is classified as Likely Pathogenic.

GeneDx
Classification: Likely pathogenic. Last evaluated: 2025-01-31. Review status: criteria provided, single submitter. Criteria: GeneDx Variant Classification Process June 2021. Collection method: clinical testing. Allele origin: germline. Affected: yes.
Comment: Frameshift variant predicted to result in abnormal protein length as the last 19 amino acid(s) are replaced with 24 different amino acid(s); Not observed at significant frequency in large population cohorts (gnomAD); Has not been previously published as pathogenic or benign to our knowledge; This variant is associated with the following publications: (PMID: 31837156)

Literature cited by the submitters: PubMed 31837156 (cited by Labcorp Genetics (formerly Invitae), Labcorp).